The following is an entry in ClinVar:

NM_001844.5(COL2A1):c.258C>A (p.Cys86Ter)

Gene: COL2A1 (collagen type II alpha 1 chain; minus strand). Cytogenetic location: 12q13.11.
Variant type: single nucleotide variant.
Coding change: c.258C>A on transcript NM_001844.5 (MANE Select); coding-DNA position 258, C replaced by A.
Protein change: p.Cys86Ter; replaces cysteine 86 with a stop codon.
Molecular consequence: nonsense. On other transcripts: intron variant (1).
Genome position (GRCh38, 1-based): chr12:47,999,953, G>T on the plus strand (C>A on the coding strand, the complement: COL2A1 is on the minus strand). VCF-style: chr12-47999953-G-T. GRCh37 (hg19) VCF-style: chr12-48393736-G-T.
Other names: c.86-1522C>A (NM_033150.3); short protein forms C86*.
Identifiers: ClinVar variation 195148 (VCV000195148.20), dbSNP rs794727261, ClinGen allele CA302808.

ClinVar aggregate classification (germline): Pathogenic. Review status: criteria provided, multiple submitters, no conflicts (2 of 4 stars). 7 submissions from 6 submitters: Pathogenic (7). Last evaluated 2026-02-13.

Conditions:
Achondrogenesis type II (ACG2). Also called: ACHONDROGENESIS, LANGER-SALDINO TYPE; CHONDROGENESIS IMPERFECTA. Identifiers: Orphanet 932, Orphanet 93296, MedGen C0220685, MONDO:0008702, OMIM 200610.
Kniest dysplasia. Identifiers: Orphanet 485, MedGen C0265279, MONDO:0007987, OMIM 156550.
Vitreoretinopathy with phalangeal epiphyseal dysplasia (VPED). Identifiers: MedGen C1852989, MONDO:0031001, OMIM 619248.
Spondyloepimetaphyseal dysplasia, Strudwick type (SEMDSTWK). Also called: DAPPLED METAPHYSIS SYNDROME; STRUDWICK SYNDROME. Identifiers: Orphanet 93346, MedGen C0700635, MONDO:0008476, OMIM 184250.
Multiple epiphyseal dysplasia, Beighton type. Identifiers: Orphanet 166011, MedGen C1851536, MONDO:0007562, OMIM 132450.
Spondyloepiphyseal dysplasia with metatarsal shortening. Also called: CZECH DYSPLASIA, METATARSAL TYPE; SPONDYLOEPIPHYSEAL DYSPLASIA WITH PRECOCIOUS OSTEOARTHRITIS; Pseudorheumatoid dysplasia progressive, with hypoplastic toes. Identifiers: Orphanet 137678, MedGen C1836683, MONDO:0012206, OMIM 609162.
Avascular necrosis of femoral head, primary, 1 (ANFH1). Also called: Avascular necrosis of femoral head, primary. Identifiers: Orphanet 86820, MedGen C4551562, MONDO:0054550, OMIM 608805.
Spondyloepiphyseal dysplasia, Stanescu type. Also called: SED, STANESCU TYPE; SPONDYLOEPIMETAPHYSEAL DYSPLASIA, STANESCU TYPE. Identifiers: Orphanet 459051, MedGen C4225273, MONDO:0014701, OMIM 616583.
Stickler syndrome type 1 (STL1). Also called: COL2A1-Related Stickler Syndrome; ARTHROOPHTHALMOPATHY, HEREDITARY PROGRESSIVE; STICKLER SYNDROME, MEMBRANOUS VITREOUS TYPE; STICKLER SYNDROME, VITREOUS TYPE 1. Identifiers: Orphanet 828, Orphanet 90653, MedGen C2020284, MONDO:0007160, OMIM 108300.
Platyspondylic dysplasia, Torrance type (PLSDT). Identifiers: Orphanet 85166, MedGen C1835437, MONDO:0007895, OMIM 151210.
Spondyloperipheral dysplasia. Also called: Spondyloperipheral dysplasia-short ulna syndrome; SPONDYLOPERIPHERAL DYSPLASIA WITH SHORT ULNA. Identifiers: Orphanet 1856, MedGen C0796173, MONDO:0010078, OMIM 271700.
Legg-Calve-Perthes disease. Also called: Avascular necrosis of the capital femoral epiphysis; PERTHES DISEASE; Osteochondritis deformans; Coxa plana. Identifiers: Orphanet 2380, MedGen C1442965, MONDO:0007885, OMIM 150600, HP:0005743.
Namaqualand hip dysplasia (OSCDP). Also called: Mild spondyloepiphyseal dysplasia due to COL2A1 mutation with early-onset osteoarthritis. Identifiers: Orphanet 93279, MedGen C0432214, MONDO:0011496, OMIM 604864.
Spondyloepiphyseal dysplasia congenita (SEDC). Also called: SED CONGENITA; SPONDYLOEPIPHYSEAL DYSPLASIA, CONGENITAL TYPE. Identifiers: Orphanet 94068, MedGen C2745959, MONDO:0008471, OMIM 183900.
Stickler syndrome, type I, nonsyndromic ocular. Also called: STICKLER SYNDROME, ATYPICAL; STICKLER SYNDROME, TYPE I, PREDOMINANTLY OCULAR. Identifiers: MedGen C1836080, MONDO:0012287, OMIM 609508.
Spondylometaphyseal dysplasia. Identifiers: Orphanet 254, MedGen C4759767, MONDO:0016763, HP:0002657.
COL2A1-related disorder. Also called: COL2A1-related condition; COL2A1-related disorders.

Submissions (7):

PreventionGenetics, part of Exact Sciences
Classification: Pathogenic for COL2A1-related condition. Last evaluated: 2026-02-13. Review status: criteria provided, single submitter. Criteria: ACMG Guidelines, 2015. Collection method: clinical testing. Allele origin: germline.
Comment: The COL2A1 c.258C>A variant is predicted to result in premature protein termination (p.Cys86*). This variant has been reported in multiple individuals with Stickler syndrome (Donoso et al. 2002. PubMed ID: 12429249; Supplemental Table 1, Stone et al. 2017. PubMed ID: 28559085) and has been shown to segregate with the disease in a large family, with reduced penetrance (Tran-Viet et al. 2013. PubMed ID: 23592912). This variant has not been reported in a large population database (gnomAD), indicating this variant is rare. Nonsense variants in COL2A1 are expected to be pathogenic. This variant is interpreted as pathogenic.

Labcorp Genetics (formerly Invitae), Labcorp
Classification: Pathogenic. Last evaluated: 2026-01-22. Review status: criteria provided, single submitter. Criteria: Invitae Variant Classification Sherloc (09022015). Collection method: clinical testing. Allele origin: germline.
Comment: This sequence change creates a premature translational stop signal (p.Cys86*) in the COL2A1 gene. It is expected to result in an absent or disrupted protein product. Loss-of-function variants in COL2A1 are known to be pathogenic (PMID: 20179744). This variant is not present in population databases (gnomAD no frequency). This premature translational stop signal has been observed in individual(s) with Stickler syndrome (PMID: 12429249, 23592912, 28559085). ClinVar contains an entry for this variant (Variation ID: 195148). For these reasons, this variant has been classified as Pathogenic.

Fulgent Genetics
Classification: Pathogenic for Stickler syndrome type 1; Multiple epiphyseal dysplasia, Beighton type; Legg-Calve-Perthes disease; Platyspondylic dysplasia, Torrance type; Kniest dysplasia; Spondyloepiphyseal dysplasia congenita; Spondyloepimetaphyseal dysplasia, Strudwick type; Achondrogenesis type II; Spondyloperipheral dysplasia; Namaqualand hip dysplasia; Avascular necrosis of femoral head, primary, 1; Spondyloepiphyseal dysplasia with metatarsal shortening; Stickler syndrome, type I, nonsyndromic ocular; Spondyloepiphyseal dysplasia, Stanescu type; Vitreoretinopathy with phalangeal epiphyseal dysplasia. Last evaluated: 2024-04-09. Review status: criteria provided, single submitter. Criteria: ACMG Guidelines, 2015. Collection method: clinical testing. Allele origin: germline.

Blueprint Genetics
Classification: Pathogenic for COL2A1-related disorders. Last evaluated: 2022-08-26. Review status: criteria provided, single submitter. Criteria: ACMG Guidelines, 2015. Collection method: clinical testing. Allele origin: germline. Affected: yes. Observed: 5 variant alleles.

GeneDx
Classification: Pathogenic. Last evaluated: 2021-12-02. Review status: criteria provided, single submitter. Criteria: GeneDx Variant Classification Process June 2021. Collection method: clinical testing. Allele origin: germline. Affected: yes.
Comment: Reported in patients with Stickler syndrome and described as being associated with a high incidence of ocular involvement and a lower incidence of the systemic features associated with Stickler syndrome (Donoso et al., 2002; Parma et al., 2002; Stone et al., 2017); Not observed in large population cohorts (Lek et al., 2016); Nonsense variant predicted to result in protein truncation or nonsense mediated decay in a gene for which loss-of-function is a known mechanism of disease; Located in exon 2, which is an alternatively spliced exon; a genotype-phenotype correlation of variants in exon 2 with a predominantly ocular phenotype has been proposed due to differential tissue expression of alternative isoforms (Donoso et al., 2003; McAlinden et al., 2008); Reported in ClinVar as pathogenic (ClinVar Variant ID# 195148; Landrum et al., 2016); This variant is associated with the following publications: (PMID: 12429249, 12429250, 27234559, 28559085, 32039712, 23592912, 17721977)

Fulgent Genetics
Classification: Pathogenic for Stickler syndrome type 1; Multiple epiphyseal dysplasia, Beighton type; Legg-Calve-Perthes disease; Platyspondylic dysplasia, Torrance type; Kniest dysplasia; Spondyloepiphyseal dysplasia congenita; Spondyloepimetaphyseal dysplasia, Strudwick type; Achondrogenesis type II; Spondyloperipheral dysplasia; Namaqualand hip dysplasia; Avascular necrosis of femoral head, primary, 1; Spondyloepiphyseal dysplasia with metatarsal shortening; Stickler syndrome, type I, nonsyndromic ocular; Spondyloepiphyseal dysplasia, Stanescu type. Last evaluated: 2018-10-31. Review status: criteria provided, single submitter. Criteria: ACMG Guidelines, 2015. Collection method: clinical testing. Allele origin: unknown.

Eurofins Ntd Llc (ga)
Classification: Pathogenic. Last evaluated: 2017-11-13. Review status: criteria provided, single submitter. Criteria: EGL Classification Definitions 2015. Collection method: clinical testing. Allele origin: germline. Observed: 1 variant allele, 1 heterozygote.

Literature cited by the submitters: PubMed 20179744 (cited by Labcorp Genetics (formerly Invitae), Labcorp); PubMed 12429249 (cited by Labcorp Genetics (formerly Invitae), Labcorp); PubMed 23592912 (cited by Labcorp Genetics (formerly Invitae), Labcorp); PubMed 28559085 (cited by Labcorp Genetics (formerly Invitae), Labcorp).